The following is an entry in ClinVar:

NM_001197104.2(KMT2A):c.6850delinsAA (p.Asp2284fs)

Gene: KMT2A (lysine methyltransferase 2A; plus strand). Cytogenetic location: 11q23.3.
Variant type: Indel.
Coding change: c.6850delinsAA on transcript NM_001197104.2 (MANE Select); coding-DNA position 6850, G replaced by AA.
Protein change: p.Asp2284fs; shifts the reading frame from aspartic acid 2284.
Molecular consequence: frameshift variant.
Genome position (GRCh38, 1-based): chr11:118,502,742, G replaced by AA. VCF-style: chr11-118502742-G-AA. GRCh37 (hg19) VCF-style: chr11-118373457-G-AA.
Other names: c.6940delinsAA, p.Asp2314fs (NM_001412597.1); c.6841delinsAA, p.Asp2281fs (NM_005933.4); short protein forms D2314fs, D2281fs, D2284fs.
Identifiers: ClinVar variation 3535448 (VCV003535448.1).
Genomic context (GRCh38, chr11:118,502,742, plus strand): 5'-TCCACCTCTTCAAATTTGCAAAGGACAGTGGTTACTGTAGGCAATAAAAACAGTCACTTG[G>AA]ATGGATCTTCATCTTCAGAAATGAAGCAGTCCAGTGCTTCAGACTTGGTGTCCAAGAGCT-3'

ClinVar aggregate classification (germline): Pathogenic (1 of 4 stars; one submission).

Conditions:
Inborn genetic diseases. Identifiers: MedGen C0950123, MeSH D030342.

Submission:

Ambry Genetics
Classification: Pathogenic for Inborn genetic diseases. Last evaluated: 2024-09-03. Review status: criteria provided, single submitter. Criteria: Ambry Variant Classification Scheme 2023. Collection method: clinical testing. Allele origin: germline.
Comment: The c.6850delGinsAA (p.D2284Kfs*42) alteration, located in exon 27 (coding exon 27) of the KMT2A gene, consists of an deletion of 1 and insertion of 2 nucleotides causing a translational frameshift at position 6850 with a predicted alternate stop codon after 42 amino acids. This alteration is expected to result in loss of function by premature protein truncation or nonsense-mediated mRNA decay. This variant was not reported in population-based cohorts in the Genome Aggregation Database (gnomAD). Based on the available evidence, this alteration is classified as pathogenic.